The following is an entry in ClinVar:

ClinVar aggregate classification (germline): Conflicting classifications of pathogenicity. Review status: criteria provided, conflicting classifications (1 of 4 stars). 2 submissions from 2 submitters: Uncertain significance (1); Likely benign (1). Last evaluated 2026-04-01.

Allele frequency attached by ClinVar (database versions not stated): ExAC 0.00004; gnomAD 0.00010 and 0.00009; TOPMed 0.00011; gnomAD exomes 0.00006 and 0.00005.
gnomAD v4.1: 95 of 1,613,142 alleles (0.0059%); highest among the groups gnomAD compares: Admixed American, 0.023%; no homozygotes.

Submissions (2):

CeGaT Center for Human Genetics Tuebingen
Classification: Likely benign. Last evaluated: 2026-04-01. Review status: criteria provided, single submitter. Criteria: CeGaT Center For Human Genetics Tuebingen Variant Classification Criteria Version 2. Collection method: clinical testing. Allele origin: germline. Affected: yes. Observed: 1 variant allele.
Comment: FOXP2: PP3, BS2

Eurofins Ntd Llc (ga)
Classification: Uncertain significance. Last evaluated: 2014-08-26. Review status: criteria provided, single submitter. Criteria: EGL Classification Definitions 2015. Collection method: clinical testing. Allele origin: germline. Observed: 3 variant alleles, 3 heterozygotes.

NM_014491.4(FOXP2):c.1936A>G (p.Asn646Asp)

Gene: FOXP2 (forkhead box P2; plus strand). Cytogenetic location: 7q31.1.
Variant type: single nucleotide variant.
Coding change: c.1936A>G on transcript NM_014491.4 (MANE Select); coding-DNA position 1936, A replaced by G.
Protein change: p.Asn646Asp; replaces asparagine 646 with aspartic acid.
Molecular consequence: missense variant. On other transcripts: non-coding transcript variant (2).
Genome position (GRCh38, 1-based): chr7:114,664,369, A>G. VCF-style: chr7-114664369-A-G. GRCh37 (hg19) VCF-style: chr7-114304424-A-G.
Other names: c.1933A>G, p.Asn645Asp (NM_001172766.3); c.2011A>G, p.Asn671Asp (NM_148898.4); c.1987A>G, p.Asn663Asp (NM_148900.4); short protein forms N646D, N671D, N645D, N663D.
Identifiers: ClinVar variation 167100 (VCV000167100.8), dbSNP rs201084683, ClinGen allele CA234039.
Genomic context (GRCh38, chr7:114,664,369, plus strand): 5'-AATCCTGGACTGATAAATAATGCATCCAGTGGCCTACTGCAGGCCGTCCACGAAGACCTC[A>G]ATGGTTCTCTGGATCACATTGACAGCAATGGAAACAGTAGTCCGGGCTGCTCACCTCAGC-3'
Protein context (NP_055306.1, residues 636-656): GLLQAVHEDL[Asn646Asp]GSLDHIDSNG